The following is an entry in ClinVar:

NM_178863.5(KCTD13):c.-4C>T

Genes: KCTD13 (potassium channel tetramerization domain containing 13; minus strand), LOC130058798 (ATAC-STARR-seq lymphoblastoid silent region 7344; plus strand). Cytogenetic location: 16p11.2.
Variant type: single nucleotide variant.
Coding change: c.-4C>T on transcript NM_178863.5 (MANE Select); 4 bases upstream of the start codon, C replaced by T.
Molecular consequence: 5 prime UTR variant. On other transcripts: non-coding transcript variant (1).
Genome position (GRCh38, 1-based): chr16:29,926,037, G>A on the plus strand (C>T on the coding strand, the complement: KCTD13 is on the minus strand). VCF-style: chr16-29926037-G-A. GRCh37 (hg19) VCF-style: chr16-29937358-G-A.
Other names: c.-4C>T (NM_001410898.1).
Identifiers: ClinVar variation 3053447 (VCV003053447.2), dbSNP rs200844395, ClinGen allele CA7997443.

ClinVar aggregate classification (germline): Likely benign (0 of 4 stars; one submission).

Conditions:
KCTD13-related disorder. Also called: KCTD13-related condition.

Allele frequency attached by ClinVar (database versions not stated): gnomAD exomes 0.00009; ExAC 0.00050; gnomAD 0.00079; TOPMed 0.00095; 1000 Genomes Project 0.00140; 1000 Genomes Project 30x 0.00141.
gnomAD v4.1: 246 of 1,506,468 alleles (0.016%); highest among the groups gnomAD compares: African/African-American, 0.33%; no homozygotes.

Submission:

PreventionGenetics, part of Exact Sciences
Classification: Likely benign for KCTD13-related condition. Last evaluated: 2019-09-05. Review status: no assertion criteria provided. Collection method: clinical testing. Allele origin: germline.
Comment: This variant is classified as likely benign based on ACMG/AMP sequence variant interpretation guidelines (Richards et al. 2015 PMID: 25741868, with internal and published modifications).